The following is an entry in ClinVar:

ClinVar aggregate classification (germline): Pathogenic (1 of 4 stars; one submission).

Conditions:
Woodhouse-Sakati syndrome. Also called: Hypogonadism, Alopecia, Diabetes Mellitus, Mental Retardation, and Extrapyramidal Syndrome; Hypogonadism, diabetes mellitus, alopecia, mental retardation and electrocardiographic abnormalities; EXTRAPYRAMIDAL DISORDER, PROGRESSIVE, WITH PRIMARY HYPOGONADISM, MENTAL RETARDATION, AND ALOPECIA. Identifiers: Orphanet 3464, MedGen C0342286, MONDO:0009419, OMIM 241080.

Submission:

Labcorp Genetics (formerly Invitae), Labcorp
Classification: Pathogenic for Woodhouse-Sakati syndrome. Last evaluated: 2024-02-13. Review status: criteria provided, single submitter. Criteria: Invitae Variant Classification Sherloc (09022015). Collection method: clinical testing. Allele origin: germline.
Comment: This sequence change creates a premature translational stop signal (p.Trp103*) in the DCAF17 gene. It is expected to result in an absent or disrupted protein product. Loss-of-function variants in DCAF17 are known to be pathogenic (PMID: 19026396, 20507343). This variant is not present in population databases (gnomAD no frequency). This variant has not been reported in the literature in individuals affected with DCAF17-related conditions. For these reasons, this variant has been classified as Pathogenic.

Literature cited by the submitters: PubMed 19026396; PubMed 20507343.

NM_025000.4(DCAF17):c.308G>A (p.Trp103Ter)

Gene: DCAF17 (DDB1 and CUL4 associated factor 17; plus strand). Cytogenetic location: 2q31.1.
Variant type: single nucleotide variant.
Coding change: c.308G>A on transcript NM_025000.4 (MANE Select); coding-DNA position 308, G replaced by A.
Protein change: p.Trp103Ter; replaces tryptophan 103 with a stop codon.
Molecular consequence: nonsense. On other transcripts: non-coding transcript variant (1).
Genome position (GRCh38, 1-based): chr2:171,443,600, G>A. VCF-style: chr2-171443600-G-A. GRCh37 (hg19) VCF-style: chr2-172300110-G-A.
Other names: c.308G>A, p.Trp103Ter (NM_001164821.2); short protein forms W103*.
Identifiers: ClinVar variation 2708844 (VCV002708844.3), dbSNP rs2529656673, ClinGen allele CA349276516.